The following is an entry in ClinVar:

ClinVar aggregate classification (germline): Uncertain significance. Review status: criteria provided, multiple submitters, no conflicts (2 of 4 stars). 2 submissions from 2 submitters: Uncertain significance (2). Last evaluated 2025-04-14.

Conditions:
Congenital factor V deficiency. Also called: LABILE FACTOR DEFICIENCY; OWREN PARAHEMOPHILIA; PARAHEMOPHILIA; Hereditary factor V deficiency disease. Identifiers: Orphanet 326, MedGen C0015499, MONDO:0009210, OMIM 227400.
Inborn genetic diseases. Identifiers: MedGen C0950123, MeSH D030342.

Submissions (2):

Ambry Genetics
Classification: Uncertain significance for Inborn genetic diseases. Last evaluated: 2025-04-14. Review status: criteria provided, single submitter. Criteria: Ambry Variant Classification Scheme 2023. Collection method: clinical testing. Allele origin: germline.
Comment: The p.M1409R variant (also known as c.4226T>G), located in coding exon 13 of the F5 gene, results from a T to G substitution at nucleotide position 4226. The methionine at codon 1409 is replaced by arginine, an amino acid with similar properties. This amino acid position is conserved. In addition, this alteration is predicted to be tolerated by in silico analysis. Based on the available evidence, the clinical significance of this variant remains unclear.

Labcorp Genetics (formerly Invitae), Labcorp
Classification: Uncertain significance for Congenital factor V deficiency. Last evaluated: 2025-02-19. Review status: criteria provided, single submitter. Criteria: Invitae Variant Classification Sherloc (09022015). Collection method: clinical testing. Allele origin: germline.
Comment: This sequence change replaces methionine, which is neutral and non-polar, with arginine, which is basic and polar, at codon 1409 of the F5 protein (p.Met1409Arg). This variant is present in population databases (rs150507174, gnomAD 0.04%). This variant has not been reported in the literature in individuals affected with F5-related conditions. ClinVar contains an entry for this variant (Variation ID: 3511292). Invitae Evidence Modeling of protein sequence and biophysical properties (such as structural, functional, and spatial information, amino acid conservation, physicochemical variation, residue mobility, and thermodynamic stability) indicates that this missense variant is not expected to disrupt F5 protein function with a negative predictive value of 80%. In summary, the available evidence is currently insufficient to determine the role of this variant in disease. Therefore, it has been classified as a Variant of Uncertain Significance.

NM_000130.5(F5):c.4226T>G (p.Met1409Arg)

Gene: F5 (coagulation factor V; minus strand). Cytogenetic location: 1q24.2.
Variant type: single nucleotide variant.
Coding change: c.4226T>G on transcript NM_000130.5 (MANE Select); coding-DNA position 4226, T replaced by G.
Protein change: p.Met1409Arg; replaces methionine 1409 with arginine.
Molecular consequence: missense variant.
Genome position (GRCh38, 1-based): chr1:169,540,864, A>C on the plus strand (T>G on the coding strand, the complement: F5 is on the minus strand). VCF-style: chr1-169540864-A-C. GRCh37 (hg19) VCF-style: chr1-169510102-A-C.
Other names: short protein forms M1409R.
Identifiers: ClinVar variation 3511292 (VCV003511292.3).